The following is an entry in ClinVar:

ClinVar aggregate classification (germline): Likely benign (1 of 4 stars; one submission).

Conditions:
CABP4-related disorder. Also called: CABP4-related condition.

Submission:

PreventionGenetics, part of Exact Sciences
Classification: Likely benign for CABP4-related condition. Last evaluated: 2024-10-13. Review status: criteria provided, single submitter. Criteria: ACMG Guidelines, 2015. Collection method: clinical testing. Allele origin: germline.
Comment: This variant is classified as likely benign based on ACMG/AMP sequence variant interpretation guidelines (Richards et al. 2015 PMID: 25741868, with internal and published modifications).

NM_145200.5(CABP4):c.684G>T (p.Val228=)

Gene: CABP4 (calcium binding protein 4; plus strand). Cytogenetic location: 11q13.2.
Variant type: single nucleotide variant.
Coding change: c.684G>T on transcript NM_145200.5 (MANE Select); coding-DNA position 684, G replaced by T.
Protein change: p.Val228=; no amino-acid change (valine 228 retained).
Molecular consequence: synonymous variant. On other transcripts: non-coding transcript variant (1).
Genome position (GRCh38, 1-based): chr11:67,458,403, G>T. VCF-style: chr11-67458403-G-T. GRCh37 (hg19) VCF-style: chr11-67225874-G-T.
Other names: c.369G>T, p.Val123= (NM_001300895.3, NM_001300896.3, NM_001379183.1).
Identifiers: ClinVar variation 4983292 (VCV004983292.1).
Genomic context (GRCh38, chr11:67,458,403, plus strand): 5'-GAGGGGCTGAGCTTTGCGGGGACCTTAGTTTGACAGGGACAGGGATGGACGAATTACGGT[G>T]GCGGAGCTGCGGGAGGCGGTACCGGCTCTGCTCGGGGAGCCGCTGGCGGGTCCTGAGCTG-3'
Protein context (NP_660201.1, residues 218-238): FDRDRDGRIT[Val228=]AELREAVPAL